The following is an entry in ClinVar:

NM_032043.3(BRIP1):c.328_333dup (p.Tyr110_Pro111dup)

Gene: BRIP1 (BRCA1 interacting DNA helicase 1; minus strand). Cytogenetic location: 17q23.2.
Variant type: Duplication.
Coding change: c.328_333dup on transcript NM_032043.3 (MANE Select); coding-DNA positions 328 to 333, 6 bases duplicated (TATCCA; older notation c.328_333dupTATCCA).
Protein change: p.Tyr110_Pro111dup.
Molecular consequence: inframe insertion.
Genome position (GRCh38, 1-based): chr17:61,857,104-61,857,109, TGGATA duplicated on the plus strand (TATCCA on the coding strand, the reverse complement: BRIP1 is on the minus strand). VCF-style (leftmost placement, unchanged base first): chr17-61857103-T-TTGGATA. GRCh37 (hg19) VCF-style: chr17-59934464-T-TTGGATA.
Other names: p.Tyr110_Pro111dup; c.328_333dupTATCCA (NM_032043.2).
Identifiers: ClinVar variation 491465 (VCV000491465.21), dbSNP rs1423363607, ClinGen allele CA658684172.
Genomic context (GRCh38, chr17:61,857,103, plus strand): 5'-CAAAATATAAATTACCTTGACAAGTTGATGAAGTGCCATTTCTTTCAGAAGGTGGTGTGC[T>TTGGATA]TGGATAGTTGAAATGACGTGAAGTTCCTTGGTTCATGTCATTGTTTGTAAAATCCTTTGA-3'

ClinVar aggregate classification (germline): Uncertain significance. Review status: criteria provided, multiple submitters, no conflicts (2 of 4 stars). 4 submissions from 4 submitters: Uncertain significance (4). Last evaluated 2025-08-07.

Conditions:
Hereditary cancer-predisposing syndrome. Also called: Tumor predisposition; Neoplastic Syndromes, Hereditary; Hereditary Cancer Syndrome; Hereditary neoplastic syndrome. Identifiers: Orphanet 140162, MedGen C0027672, MeSH D009386, MONDO:0015356.
Fanconi anemia complementation group J. Also called: BRIP1-Related Fanconi Anemia. Identifiers: Orphanet 84, MedGen C1836860, MONDO:0012187, OMIM 609054.
Familial cancer of breast. Also called: BREAST CANCER, FAMILIAL; hereditary breast carcinoma; Hereditary breast cancer. Identifiers: Orphanet 227535, MedGen C0346153, MONDO:0016419, OMIM 114480. Disease mechanism: loss of function.

Allele frequency attached by ClinVar (database versions not stated): gnomAD exomes below 0.00001; gnomAD 0.00001; TOPMed 0.00001.

Submissions (4):

Mayo Clinic Laboratories, Mayo Clinic
Classification: Uncertain significance. Last evaluated: 2025-08-07. Review status: criteria provided, single submitter. Criteria: ACMG Guidelines, 2015. Collection method: clinical testing. Allele origin: germline. Observed: 1 variant allele.

Labcorp Genetics (formerly Invitae), Labcorp
Classification: Uncertain significance for Familial cancer of breast; Fanconi anemia complementation group J. Last evaluated: 2025-07-01. Review status: criteria provided, single submitter. Criteria: Invitae Variant Classification Sherloc (09022015). Collection method: clinical testing. Allele origin: germline.
Comment: This variant, c.328_333dup, results in the insertion of 2 amino acid(s) of the BRIP1 protein (p.Tyr110_Pro111dup), but otherwise preserves the integrity of the reading frame. This variant is not present in population databases (gnomAD no frequency). This variant has not been reported in the literature in individuals affected with BRIP1-related conditions. ClinVar contains an entry for this variant (Variation ID: 491465). Experimental studies and prediction algorithms are not available or were not evaluated, and the functional significance of this variant is currently unknown. In summary, the available evidence is currently insufficient to determine the role of this variant in disease. Therefore, it has been classified as a Variant of Uncertain Significance.

Ambry Genetics
Classification: Uncertain significance for Hereditary cancer-predisposing syndrome. Last evaluated: 2023-10-27. Review status: criteria provided, single submitter. Criteria: Ambry Variant Classification Scheme 2023. Collection method: clinical testing. Allele origin: germline.
Comment: The c.328_333dupTATCCA variant (also known as p.Y110_P111dup), located in coding exon 3 of the BRIP1 gene, results from an in-frame duplication of TATCCA at nucleotide positions 328 to 333. This results in the duplication of 2 extra residues (YP) between codons 110 and 111. This amino acid region is not well conserved in available vertebrate species. In addition, the in silico prediction for this alteration is inconclusive (Choi Y et al. PLoS ONE. 2012; 7(10):e46688). Since supporting evidence is limited at this time, the clinical significance of this alteration remains unclear.

Color Diagnostics, LLC DBA Color Health
Classification: Uncertain significance for Hereditary cancer-predisposing syndrome. Last evaluated: 2019-05-02. Review status: criteria provided, single submitter. Criteria: ACMG Guidelines, 2015. Collection method: clinical testing. Allele origin: germline.